The following is an entry in ClinVar:

NM_000088.4(COL1A1):c.3G>T (p.Met1Ile)

Gene: COL1A1 (collagen type I alpha 1 chain; minus strand). Cytogenetic location: 17q21.33.
Variant type: single nucleotide variant.
Coding change: c.3G>T on transcript NM_000088.4 (MANE Select); coding-DNA position 3, G replaced by T.
Protein change: p.Met1Ile; changes the start codon (methionine 1).
Molecular consequence: missense variant, initiator codon variant.
Genome position (GRCh38, 1-based): chr17:50,201,511, C>A on the plus strand (G>T on the coding strand, the complement: COL1A1 is on the minus strand). VCF-style: chr17-50201511-C-A. GRCh37 (hg19) VCF-style: chr17-48278872-C-A.
Other names: short protein forms M1I.
Identifiers: ClinVar variation 1452707 (VCV001452707.7), dbSNP rs1567766329, ClinGen allele CA400230603.
Genomic context (GRCh38, chr17:50,201,511, plus strand): 5'-GTGCGTCAGGAGGGCGGTGGCCGCTAAGAGGAGCAGGAGCCGGAGGTCCACAAAGCTGAA[C>A]ATGTCTAGACCCTAGACATGTAGACTCTTTGTGGCTGGGGAGGGGGTTAGCGTCCGCTCA-3'
Protein context (NP_000079.2, residues 1-11): [Met1Ile]FSFVDLRLLL

ClinVar aggregate classification (germline): Pathogenic (1 of 4 stars; one submission).

Conditions:
Osteogenesis imperfecta type I (OI1). Also called: Lobstein disease; Classic Non-deforming Osteogenesis Imperfecta with Blue Sclerae; OI, TYPE I; OSTEOGENESIS IMPERFECTA TARDA; OSTEOGENESIS IMPERFECTA WITH BLUE SCLERAE; Osteogenesis imperfecta type 1. Identifiers: Orphanet 216796, Orphanet 666, MedGen C0023931, MONDO:0008146, OMIM 166200. Disease mechanism: loss of function.

Submission:

Labcorp Genetics (formerly Invitae), Labcorp
Classification: Pathogenic for Osteogenesis imperfecta type I. Last evaluated: 2021-11-30. Review status: criteria provided, single submitter. Criteria: Invitae Variant Classification Sherloc (09022015). Collection method: clinical testing. Allele origin: germline.
Comment: For these reasons, this variant has been classified as Pathogenic. Disruption of the initiator codon has been observed in individuals with osteogenesis imperfecta (PMID: 23529829, 25696019, 27509835; Invitae). This variant is not present in population databases (gnomAD no frequency). This sequence change affects the initiator methionine of the COL1A1 mRNA. The next in-frame methionine is located at codon 181.

Literature cited by the submitters: PubMed 23529829; PubMed 25696019; PubMed 27509835.